The following is an entry in ClinVar:

ClinVar aggregate classification (germline): Uncertain significance (1 of 4 stars; one submission).

Allele frequency attached by ClinVar (database versions not stated): gnomAD exomes below 0.00001.
gnomAD v4.1: 4 of 1,568,736 alleles (0.00025%); highest among the groups gnomAD compares: Non-Finnish European, 0.00035%; no homozygotes.

Submission:

Labcorp Genetics (formerly Invitae), Labcorp
Classification: Uncertain significance. Last evaluated: 2022-10-31. Review status: criteria provided, single submitter. Criteria: Invitae Variant Classification Sherloc (09022015). Collection method: clinical testing. Allele origin: germline.
Comment: This sequence change affects codon 193 of the PCGF2 mRNA. It is a 'silent' change, meaning that it does not change the encoded amino acid sequence of the PCGF2 protein. This variant is not present in population databases (gnomAD no frequency). This variant has not been reported in the literature in individuals affected with PCGF2-related conditions. Algorithms developed to predict the effect of sequence changes on RNA splicing suggest that this variant may create or strengthen a splice site. In summary, the available evidence is currently insufficient to determine the role of this variant in disease. Therefore, it has been classified as a Variant of Uncertain Significance.

NM_007144.3(PCGF2):c.579G>A (p.Val193=)

Gene: PCGF2 (polycomb group ring finger 2; minus strand). Cytogenetic location: 17q12.
Variant type: single nucleotide variant.
Coding change: c.579G>A on transcript NM_007144.3 (MANE Select); coding-DNA position 579, G replaced by A.
Protein change: p.Val193=; no amino-acid change (valine 193 retained).
Molecular consequence: synonymous variant.
Genome position (GRCh38, 1-based): chr17:38,736,168, C>T on the plus strand (G>A on the coding strand, the complement: PCGF2 is on the minus strand). VCF-style: chr17-38736168-C-T. GRCh37 (hg19) VCF-style: chr17-36892421-C-T.
Other names: c.579G>A, p.Val193= (NM_001369614.1, NM_001369615.1).
Identifiers: ClinVar variation 1972647 (VCV001972647.5), dbSNP rs2508670807, ClinGen allele CA398820524.